The following is an entry in ClinVar:

NM_002317.7(LOX):c.640G>C (p.Asp214His)

Genes: LOX (lysyl oxidase; minus strand), SRFBP1 (serum response factor binding protein 1; plus strand). Cytogenetic location: 5q23.1.
Variant type: single nucleotide variant.
Coding change: c.640G>C on transcript NM_002317.7 (MANE Select); coding-DNA position 640, G replaced by C.
Protein change: p.Asp214His; replaces aspartic acid 214 with histidine.
Molecular consequence: missense variant. On other transcripts: 5 prime UTR variant (1), intron variant (1).
Genome position (GRCh38, 1-based): chr5:122,076,993, C>G on the plus strand (G>C on the coding strand, the complement: LOX is on the minus strand). VCF-style: chr5-122076993-C-G. GRCh37 (hg19) VCF-style: chr5-121412688-C-G.
Other names: c.-51G>C (NM_001178102.2); c.-152+99G>C (NM_001317073.1); short protein forms D214H.
Identifiers: ClinVar variation 3651976 (VCV003651976.2).

ClinVar aggregate classification (germline): Uncertain significance (1 of 4 stars; one submission).

Submission:

Labcorp Genetics (formerly Invitae), Labcorp
Classification: Uncertain significance. Last evaluated: 2024-05-02. Review status: criteria provided, single submitter. Criteria: Invitae Variant Classification Sherloc (09022015). Collection method: clinical testing. Allele origin: germline.
Comment: This sequence change replaces aspartic acid, which is acidic and polar, with histidine, which is basic and polar, at codon 214 of the LOX protein (p.Asp214His). This variant is not present in population databases (gnomAD no frequency). This variant has not been reported in the literature in individuals affected with LOX-related conditions. Advanced modeling of protein sequence and biophysical properties (such as structural, functional, and spatial information, amino acid conservation, physicochemical variation, residue mobility, and thermodynamic stability) has been performed at Invitae for this missense variant, however the output from this modeling did not meet the statistical confidence thresholds required to predict the impact of this variant on LOX protein function. In summary, the available evidence is currently insufficient to determine the role of this variant in disease. Therefore, it has been classified as a Variant of Uncertain Significance.